The following is an entry in ClinVar:

ClinVar aggregate classification (germline): Conflicting classifications of pathogenicity. Review status: criteria provided, conflicting classifications (1 of 4 stars). 5 submissions from 5 submitters: Uncertain significance (4); Likely benign (1). Last evaluated 2025-05-05.

Conditions:
Hereditary cancer-predisposing syndrome. Also called: Tumor predisposition; Hereditary Cancer Syndrome; Hereditary neoplastic syndrome; Neoplastic Syndromes, Hereditary. Identifiers: Orphanet 140162, MedGen C0027672, MeSH D009386, MONDO:0015356.
Hereditary breast ovarian cancer syndrome. Also called: Breast and ovarian cancer; Hereditary breast and/or ovarian cancer syndrome; BRCA1- and BRCA2-Associated Hereditary Breast and Ovarian Cancer; Hereditary breast and ovarian cancer syndrome; Hereditary breast and ovarian cancer syndrome (HBOC); Hereditary breast and ovarian cancer. Identifiers: Orphanet 145, MedGen C0677776, MeSH D061325, MONDO:0003582. Disease mechanism: loss of function.
Breast-ovarian cancer, familial, susceptibility to, 1 (BROVCA1). Also called: BRCA1 Hereditary Breast and Ovarian Cancer; OVARIAN CANCER, SUSCEPTIBILITY TO. Identifiers: Orphanet 145, MedGen C2676676, MONDO:0011450, OMIM 604370. Disease mechanism: loss of function.
Fanconi anemia, complementation group S (FANCS). Identifiers: MedGen C4554406, MONDO:0054748, OMIM 617883.

Allele frequency attached by ClinVar (database versions not stated): gnomAD exomes below 0.00001 and 0.00001.
gnomAD v4.1: 11 of 1,612,212 alleles (0.00068%); highest among the groups gnomAD compares: Middle Eastern, 0.017%; no homozygotes.

Submissions (6):

GeneDx
Classification: Uncertain significance. Last evaluated: 2025-05-05. Review status: criteria provided, single submitter. Criteria: GeneDx Variant Classification Process June 2021. Collection method: clinical testing. Allele origin: germline. Affected: yes.
Comment: Not observed at significant frequency in large population cohorts (gnomAD); In silico analysis supports that this missense variant has a deleterious effect on protein structure/function; Also known as 5118A>G; This variant is associated with the following publications: (PMID: 25348405, 30209399, 30257991, 29884841, 32377563)

Lupski Lab, Baylor-Hopkins CMG, Baylor College of Medicine
Classification: Likely benign for Breast-ovarian cancer, familial, susceptibility to, 1. Last evaluated: 2024-04-12. Review status: criteria provided, single submitter. Criteria: Dawood et al. (medRxiv. 2024). Collection method: curation. Allele origin: germline.
Comment: Each variant was annotated with functional scores from MAVE data which was translated into functional evidence codes. All other evidence codes and combining criteria were adhered to as closely as possible based on the ClinGen VCEP (Variant Curation Expert Panel) gene-specific recommendations. See Supplemental Figure 34 of final paper (Supp Fig. 28 in preprint: doi:10.1101/2024.04.11.24305690) for a table to see which lines of evidence we did not have data for. The ClinGen VCEPs are highly regarded as the gold-standard for gene-specific variant curation and are developed after extensive evaluation of the evidence by clinical and scientific experts for the particular gene to classify genomic variants on a spectrum from pathogenic to benign using the 2015 ACMG/AMP Variant Interpretation Guidelines as a backbone (PMID: 25741868). Reclassification of these VUS variants from gnomAD or All of Us focused only on variants originally prescribed as VUS in ClinVar. To ensure reproducibility, transparency, and increased throughput, all the procedures for annotating variants and assigning evidence codes were codified using Python. All code has been made freely available and is linked in the Code Availability section and all reclassified variants with evidence codes used can be found in Tables S18-19 (preprint: doi:10.1101/2024.04.11.24305690). For the MAVE data, the clinical curation and clinical strength assignment as per the ClinGen recommendations in Brnich et al. (2020) (PMID: 31892348) for or against pathogenicity or benignity of each of these MAVE datasets utilized in this study were previously published in Fayer et al. (2021) (PMID: 34793697).In brief, for BRCA1 variants, if a variant was categorized as FUNC (functional), it was assigned BS3 evidence and no PS3 evidence, whereas if it was categorized as LOF (loss of function), the variant was assigned PS3 evidence and no BS3 evidence. Variants categorized as INT (intermediate) were left unannotated. For the BRCA1 combining criteria, greater than or equal to 1 criteria of strong benign evidence was enough to reclassify the VUS as Likely Benign. This variant GRCh37:17:41219700:T>C was assigned evidence codes ['BS3', 'BP4'] and an overall classification of Likely Benign

Color Diagnostics, LLC DBA Color Health
Classification: Uncertain significance for Hereditary cancer-predisposing syndrome. Last evaluated: 2022-10-10. Review status: criteria provided, single submitter. Criteria: ACMG Guidelines, 2015. Collection method: clinical testing. Allele origin: germline.
Comment: This missense variant replaces lysine with glutamic acid at codon 1667 of the BRCA1 protein. Computational prediction is inconclusive regarding the impact of this variant on protein structure and function (internally defined REVEL score threshold 0.5 < inconclusive < 0.7, PMID: 27666373). Functional studies have shown that this variant does not significantly affect BRCA1 function (PMID: 30209399, 30257991). This variant has not been reported in individuals affected with hereditary cancer in the literature. This variant has been identified in 1/251346 chromosomes in the general population by the Genome Aggregation Database (gnomAD). The available evidence is insufficient to determine the role of this variant in disease conclusively. Therefore, this variant is classified as a Variant of Uncertain Significance.

Department of Pathology and Laboratory Medicine, Sinai Health System
Classification: Uncertain significance for Fanconi anemia, complementation group S. Last evaluated: 2021-11-17. Review status: criteria provided, single submitter. Criteria: ACMG Guidelines, 2015. Collection method: clinical testing. Allele origin: germline.

Labcorp Genetics (formerly Invitae), Labcorp
Classification: Uncertain significance for Hereditary breast ovarian cancer syndrome. Last evaluated: 2021-11-07. Review status: criteria provided, single submitter. Criteria: Invitae Variant Classification Sherloc (09022015). Collection method: clinical testing. Allele origin: germline.
Comment: In summary, the available evidence is currently insufficient to determine the role of this variant in disease. Therefore, it has been classified as a Variant of Uncertain Significance. Experimental studies have shown that this missense change does not substantially affect BRCA1 function (PMID: 30209399, 30257991). Advanced modeling of protein sequence and biophysical properties (such as structural, functional, and spatial information, amino acid conservation, physicochemical variation, residue mobility, and thermodynamic stability) performed at Invitae indicates that this missense variant is not expected to disrupt BRCA1 protein function. ClinVar contains an entry for this variant (Variation ID: 489727). This variant has not been reported in the literature in individuals affected with BRCA1-related conditions. This variant is present in population databases (no rsID available, gnomAD 0.0009%). This sequence change replaces lysine, which is basic and polar, with glutamic acid, which is acidic and polar, at codon 1667 of the BRCA1 protein (p.Lys1667Glu).

Brotman Baty Institute, University of Washington
No classification provided (evidence only). Condition: Breast-ovarian cancer, familial 1. Review status: no classification provided. Collection method: in vitro. Allele origin: not applicable. Functional consequence: functionally_normal. Not counted in ClinVar's aggregate classification.
ClinVar note: "not provided" was previously submitted as the classification for the variant. However, the classification appeared to be based only on an observation of functional data so it was converted to no classification on 2025-07-30.

Literature cited by the submitters: PubMed 39142283 (cited by Lupski Lab, Baylor-Hopkins CMG, Baylor College of Medicine); PubMed 34793697 (cited by Lupski Lab, Baylor-Hopkins CMG, Baylor College of Medicine); DOI 10.1101/2024.04.11.24305690 (cited by Lupski Lab, Baylor-Hopkins CMG, Baylor College of Medicine); PubMed 30209399 (cited by Color Diagnostics, LLC DBA Color Health and Labcorp Genetics (formerly Invitae), Labcorp); PubMed 30257991 (cited by Color Diagnostics, LLC DBA Color Health and Labcorp Genetics (formerly Invitae), Labcorp).

NM_007294.4(BRCA1):c.4999A>G (p.Lys1667Glu)

Gene: BRCA1 (BRCA1 DNA repair associated; minus strand). Cytogenetic location: 17q21.31.
Variant type: single nucleotide variant.
Coding change: c.4999A>G on transcript NM_007294.4 (MANE Select); coding-DNA position 4999, A replaced by G.
Protein change: p.Lys1667Glu; replaces lysine 1667 with glutamic acid.
Molecular consequence: missense variant. On other transcripts: non-coding transcript variant (1).
Genome position (GRCh38, 1-based): chr17:43,067,683, T>C on the plus strand (A>G on the coding strand, the complement: BRCA1 is on the minus strand). VCF-style: chr17-43067683-T-C. GRCh37 (hg19) VCF-style: chr17-41219700-T-C.
Other names: c.4786A>G, p.Lys1596Glu (NM_001407571.1, NM_001407896.1, NM_001407897.1 and 12 more transcripts); c.5065A>G, p.Lys1689Glu (NM_001407581.1, NM_001407582.1); c.5062A>G, p.Lys1688Glu (NM_001407583.1, NM_001407585.1, NM_001407587.1 and 1 more transcripts); c.5059A>G, p.Lys1687Glu (NM_001407590.1, NM_001407591.1); c.4999A>G, p.Lys1667Glu (NM_001407593.1, NM_001407594.1, NM_001407596.1 and 8 more transcripts); c.4996A>G, p.Lys1666Glu (NM_001407610.1, NM_001407611.1, NM_001407612.1 and 17 more transcripts); c.4993A>G, p.Lys1665Glu (NM_001407627.1, NM_001407628.1, NM_001407629.1 and 14 more transcripts); c.4990A>G, p.Lys1664Glu (NM_001407645.1, NM_001407644.1); and 70 more; short protein forms K1667E, K563E, K1620E, K1688E, K1371E, K1513E, K1538E, K1555E.
Identifiers: ClinVar variation 489727 (VCV000489727.19), dbSNP rs80357204, ClinGen allele CA10591522.